The following is an entry in ClinVar:

NM_016734.3(PAX5):c.25A>T (p.Thr9Ser)

Gene: PAX5 (paired box 5; minus strand). Cytogenetic location: 9p13.2.
Variant type: single nucleotide variant.
Coding change: c.25A>T on transcript NM_016734.3 (MANE Select); coding-DNA position 25, A replaced by T.
Protein change: p.Thr9Ser; replaces threonine 9 with serine.
Molecular consequence: missense variant. On other transcripts: 5 prime UTR variant (2), non-coding transcript variant (2).
Genome position (GRCh38, 1-based): chr9:37,034,007, T>A on the plus strand (A>T on the coding strand, the complement: PAX5 is on the minus strand). VCF-style: chr9-37034007-T-A. GRCh37 (hg19) VCF-style: chr9-37034004-T-A.
Other names: c.25A>T, p.Thr9Ser (NM_001280547.2, NM_001280548.2, NM_001280549.2 and 5 more transcripts); c.-134A>T (NM_001280551.2, NM_001280556.2); short protein forms T9S.
Identifiers: ClinVar variation 3928287 (VCV003928287.1).
Genomic context (GRCh38, chr9:37,034,007, plus strand): 5'-CCGGAGTTTGCACATCTGGAGCCCGTATCGCGGTCCTACCTGTCCTGCTGGTCCGAGGAG[T>A]CGGATAATTTTTCTCTAAATCCATTTTGATTTTTCAGGACTTGATGGAATGGACAGGGAA-3'
Protein context (NP_057953.1, residues 1-19): MDLEKNYP[Thr9Ser]PRTSRTGHGG

ClinVar aggregate classification (germline): Uncertain significance (1 of 4 stars; one submission).

Conditions:
Inborn genetic diseases. Identifiers: MedGen C0950123, MeSH D030342.

Submission:

Ambry Genetics
Classification: Uncertain significance for Inborn genetic diseases. Last evaluated: 2025-03-31. Review status: criteria provided, single submitter. Criteria: Ambry Variant Classification Scheme 2023. Collection method: clinical testing. Allele origin: germline.
Comment: The p.T9S variant (also known as c.25A>T), located in coding exon 1 of the PAX5 gene, results from an A to T substitution at nucleotide position 25. The threonine at codon 9 is replaced by serine, an amino acid with similar properties. This amino acid position is conserved. In addition, the in silico prediction for this alteration is inconclusive. Based on the available evidence, the clinical significance of this variant remains unclear.